The following is an entry in ClinVar:

ClinVar aggregate classification (germline): Uncertain significance (1 of 4 stars; one submission).

Conditions:
PPP1R3F-related condition.

Submission:

PreventionGenetics, part of Exact Sciences
Classification: Uncertain significance for PPP1R3F-related condition. Last evaluated: 2026-07-30. Review status: criteria provided, single submitter. Criteria: ACMG Guidelines, 2015. Collection method: clinical testing. Allele origin: germline.
Comment: The PPP1R3F c.310C>A variant is predicted to result in the amino acid substitution p.Leu104Met. To our knowledge, this variant has not been reported in the literature or in a large population database (gnomAD), indicating this variant is rare. At this time, the clinical significance of this variant is uncertain due to the absence of conclusive functional and genetic evidence.

NM_033215.5(PPP1R3F):c.310C>A (p.Leu104Met)

Gene: PPP1R3F (protein phosphatase 1 regulatory subunit 3F; plus strand). Cytogenetic location: Xp11.23.
Variant type: single nucleotide variant.
Coding change: c.310C>A on transcript NM_033215.5 (MANE Select); coding-DNA position 310, C replaced by A.
Protein change: p.Leu104Met; replaces leucine 104 with methionine.
Molecular consequence: missense variant. On other transcripts: intron variant (1).
Genome position (GRCh38, 1-based): chrX:49,270,179, C>A. VCF-style: chrX-49270179-C-A. GRCh37 (hg19) VCF-style: chrX-49126642-C-A.
Other names: c.-32+246C>A (NM_001184745.2); short protein forms L104M.
Identifiers: ClinVar variation 4982635 (VCV004982635.1).